The following is an entry in ClinVar:

ClinVar aggregate classification (germline): Pathogenic/Likely pathogenic. Review status: criteria provided, multiple submitters, no conflicts (2 of 4 stars). 8 submissions from 8 submitters: Pathogenic (6); Likely pathogenic (2). Last evaluated 2025-08-30.

Conditions:
Primary ciliary dyskinesia 11. Also called: CILIARY DYSKINESIA, PRIMARY, 11, WITHOUT SITUS INVERSUS. Identifiers: Orphanet 244, MedGen C2675229, MONDO:0012978, OMIM 612649.
RSPH4A-related disorder. Also called: RSPH4A-related condition.
Primary ciliary dyskinesia. Also called: Ciliary dyskinesia. Identifiers: Orphanet 244, MedGen C0008780, MONDO:0016575, HP:0012265.

Allele frequency attached by ClinVar (database versions not stated): ExAC 0.00002; gnomAD 0.00003; TOPMed 0.00004; ESP Exome Variant Server 0.00008.
gnomAD v4.1: 70 of 1,613,608 alleles (0.0043%); highest among the groups gnomAD compares: Non-Finnish European, 0.0054%; no homozygotes.

Submissions (8):

Labcorp Genetics (formerly Invitae), Labcorp
Classification: Pathogenic for Primary ciliary dyskinesia. Last evaluated: 2025-08-30. Review status: criteria provided, single submitter. Criteria: Invitae Variant Classification Sherloc (09022015). Collection method: clinical testing. Allele origin: germline.
Comment: This sequence change creates a premature translational stop signal (p.Ser39*) in the RSPH4A gene. It is expected to result in an absent or disrupted protein product. Loss-of-function variants in RSPH4A are known to be pathogenic (PMID: 19200523). This variant is present in population databases (rs368110732, gnomAD 0.004%). This premature translational stop signal has been observed in individual(s) with primary ciliary dyskinesia (PMID: 23798057). ClinVar contains an entry for this variant (Variation ID: 666983). For these reasons, this variant has been classified as Pathogenic.

Blueprint Genetics
Classification: Likely pathogenic for RSPH4A-related disorders. Last evaluated: 2024-10-23. Review status: criteria provided, single submitter. Criteria: ACMG Guidelines, 2015. Collection method: clinical testing. Allele origin: germline. Affected: yes. Observed: 3 variant alleles.

Mayo Clinic Laboratories, Mayo Clinic
Classification: Pathogenic. Last evaluated: 2024-01-03. Review status: criteria provided, single submitter. Criteria: ACMG Guidelines, 2015. Collection method: clinical testing. Allele origin: germline. Observed: 1 variant allele.
Comment: PP4, PM3_strong, PVS1

Johns Hopkins Genomics, Johns Hopkins University
Classification: Pathogenic for Primary ciliary dyskinesia 11. Last evaluated: 2022-08-03. Review status: criteria provided, single submitter. Criteria: ACMG Guidelines, 2015. Collection method: clinical testing. Allele origin: germline.
Comment: This RSPH4A nonsense variant has been observed in the compound heterozygous state in one individual with primary ciliary dyskinesia, and as a single heterozygous variant without a second variant identified in another unrelated individual with primary ciliary dyskinesia. This variant (rs368110732) is rare (<0.1%) in a large population dataset (gnomAD v2.1.1: 5/282514 total alleles; 0.0018%; no homozygotes), and has been reported in ClinVar (Variation ID 666983). This nonsense variant results in a premature stop codon in exon 1, likely leading to nonsense-mediated decay and lack of protein production. We consider c.116C>A;p.Ser39Ter in RSPH4A to be pathogenic.

Fulgent Genetics
Classification: Pathogenic for Primary ciliary dyskinesia 11. Last evaluated: 2022-04-06. Review status: criteria provided, single submitter. Criteria: ACMG Guidelines, 2015. Collection method: clinical testing. Allele origin: unknown.

Laboratory for Molecular Medicine, Mass General Brigham Personalized Medicine
Classification: Likely pathogenic for Primary ciliary dyskinesia. Last evaluated: 2018-08-23. Review status: criteria provided, single submitter. Criteria: LMM Criteria. Collection method: clinical testing. Allele origin: germline. Inheritance: Autosomal recessive inheritance. Observed: 1 variant allele.
Comment: The p.Ser39X variant in RSPH4A has been reported in one compound heterozygous in dividual and one heterozygous individual without a second variant identified, bo th with primary ciliary dyskinesia (Daniels et al, 2013). This variant has been identified in 5/126582 European chromosomes by the Genome Aggregation Database ( gnomAD). This nonsense variant leads to a prem ature termination codon at position 39 which is predicted to lead to a truncated or absent protein. Bialleic loss of function of the RSPH4A gene has been associ ated with primary ciliary dyskinesia. Although this variant has been seen in the general population, its frequency is low enough to be consistent with a recessi ve carrier frequency. In summary, although additional studies are required to fu lly establish its clinical significance, the p.Ser39X variant in RSPH4A is likel y pathogenic for primary ciliary dyskinesia. ACMG/AMP Criteria applied: PVS1_Str ong, PM2, PM#_Supporting.

UNC Molecular Genetics  Laboratory, University of North Carolina at Chapel Hill
Classification: Pathogenic for Primary ciliary dyskinesia. Last evaluated: 2018-04-26. Review status: criteria provided, single submitter. Criteria: ACMG Guidelines, 2015. Collection method: clinical testing. Allele origin: germline. Affected: yes. Observed: 1 compound heterozygote.

Ambry Genetics
Classification: Pathogenic for Primary ciliary dyskinesia. Last evaluated: 2017-01-13. Review status: criteria provided, single submitter. Criteria: Ambry Variant Classification Scheme 2023. Collection method: clinical testing. Allele origin: germline.
Comment: The p.S39* pathogenic mutation (also known as c.116C>A), located in coding exon 1 of the RSPH4A gene, results from a C to A substitution at nucleotide position 116. This changes the amino acid from a serine to a stop codon within coding exon 1. This mutation was described in individuals with primary ciliary dyskinesia, including one individual with a second alteration confirmed in trans (Daniels ML et al. Hum. Mutat., 2013 Oct;34:1352-6). In addition to the clinical data presented in the literature, this alteration is expected to result in loss of function by premature protein truncation or nonsense-mediated mRNA decay. As such, this alteration is interpreted as a disease-causing mutation.

Literature cited by the submitters: PubMed 19200523 (cited by Labcorp Genetics (formerly Invitae), Labcorp); PubMed 23798057 (cited by 6 submitters); PubMed 31879361 (cited by Mayo Clinic Laboratories, Mayo Clinic).

NM_001010892.3(RSPH4A):c.116C>A (p.Ser39Ter)

Genes: RSPH4A (radial spoke head component 4A; plus strand), LOC129997052 (ATAC-STARR-seq lymphoblastoid active region 24998; plus strand). Cytogenetic location: 6q22.1.
Variant type: single nucleotide variant.
Coding change: c.116C>A on transcript NM_001010892.3 (MANE Select); coding-DNA position 116, C replaced by A.
Protein change: p.Ser39Ter; replaces serine 39 with a stop codon.
Molecular consequence: nonsense.
Genome position (GRCh38, 1-based): chr6:116,616,739, C>A. VCF-style: chr6-116616739-C-A. GRCh37 (hg19) VCF-style: chr6-116937902-C-A.
Other names: p.Ser39*; c.116C>A, p.Ser39Ter (NM_001161664.2); short protein forms S39*.
Identifiers: ClinVar variation 666983 (VCV000666983.17), dbSNP rs368110732, ClinGen allele CA3970702.